The following is an entry in ClinVar:

NC_000010.10:g.(?_95517902)_(95518136_?)del

Gene: LGI1 (leucine rich glioma inactivated 1; plus strand). Cytogenetic location: 10q23.33.
Variant type: Deletion.
Identifiers: ClinVar variation 2425295 (VCV002425295.3).

ClinVar aggregate classification (germline): Pathogenic (1 of 4 stars; one submission).

Conditions:
Autosomal dominant epilepsy with auditory features. Identifiers: Orphanet 101046, MedGen C1838062, MONDO:0010898.

Submission:

Labcorp Genetics (formerly Invitae), Labcorp
Classification: Pathogenic for Autosomal dominant epilepsy with auditory features. Last evaluated: 2022-06-02. Review status: criteria provided, single submitter. Criteria: Invitae Variant Classification Sherloc (09022015). Collection method: clinical testing. Allele origin: germline.
Comment: For these reasons, this variant has been classified as Pathogenic. This variant has not been reported in the literature in individuals affected with LGI1-related conditions. This variant is a gross deletion of the genomic region encompassing exon(s) 1 of the LGI1 gene, which includes the initiator codon. This deletion extends beyond the assayed region for this gene and therefore may encompass additional genes. It is expected to result in an absent or disrupted protein product. Loss-of-function variants in LGI1 are known to be pathogenic (PMID: 24206907).

Literature cited by the submitters: PubMed 24206907.